The following is an entry in ClinVar:

NM_003482.4(KMT2D):c.6204G>A (p.Arg2068=)

Gene: KMT2D (lysine methyltransferase 2D; minus strand). Cytogenetic location: 12q13.12.
Variant type: single nucleotide variant.
Coding change: c.6204G>A on transcript NM_003482.4 (MANE Select); coding-DNA position 6204, G replaced by A.
Protein change: p.Arg2068=; no amino-acid change (arginine 2068 retained).
Molecular consequence: synonymous variant.
Genome position (GRCh38, 1-based): chr12:49,041,685, C>T on the plus strand (G>A on the coding strand, the complement: KMT2D is on the minus strand). VCF-style: chr12-49041685-C-T. GRCh37 (hg19) VCF-style: chr12-49435468-C-T.
Other names: c.6204G>A (NM_003482.3).
Identifiers: ClinVar variation 196623 (VCV000196623.14), dbSNP rs532098737, ClinGen allele CA243643.
Genomic context (GRCh38, chr12:49,041,685, plus strand): 5'-ACTGCTACACCCCAGCCCAGCCCCACTCACCTTCTGCACCTTGTTGATGCGGTGAGCTGC[C>T]CGGTTATCTTTGGCCTTTTGCTGAGGGATATGGGACACAGCCTTAGGGCCTAGTGCTTGG-3'
Protein context (NP_003473.3, residues 2058-2078): APYLQKAKDN[Arg2068=]AAHRINKVQK

ClinVar aggregate classification (germline): Conflicting classifications of pathogenicity. Review status: criteria provided, conflicting classifications (1 of 4 stars). 3 submissions from 3 submitters: Uncertain significance (1); Likely benign (1). 1 of the submissions does not count toward it. Last evaluated 2025-09-10.

Conditions:
Kabuki syndrome. Also called: NIIKAWA-KUROKI SYNDROME; Kabuki make-up syndrome. Identifiers: Orphanet 2322, MedGen C0796004, MONDO:0016512.
KMT2D-related disorder. Also called: KMT2D-Related Disorders.

Allele frequency attached by ClinVar (database versions not stated): gnomAD exomes 0.00001 and 0.00002; gnomAD 0.00002; TOPMed 0.00002; ExAC 0.00003.

Submissions (3):

Labcorp Genetics (formerly Invitae), Labcorp
Classification: Likely benign for Kabuki syndrome. Last evaluated: 2025-09-10. Review status: criteria provided, single submitter. Criteria: Invitae Variant Classification Sherloc (09022015). Collection method: clinical testing. Allele origin: germline.

Eurofins Ntd Llc (ga)
Classification: Uncertain significance. Last evaluated: 2014-08-21. Review status: criteria provided, single submitter. Criteria: EGL Classification Definitions 2015. Collection method: clinical testing. Allele origin: germline. Observed: 1 variant allele, 1 heterozygote.

PreventionGenetics, part of Exact Sciences
Classification: Likely benign for KMT2D-related condition. Last evaluated: 2024-01-29. Review status: no assertion criteria provided. Collection method: clinical testing. Allele origin: germline. Not counted in ClinVar's aggregate classification.
Comment: This variant is classified as likely benign based on ACMG/AMP sequence variant interpretation guidelines (Richards et al. 2015 PMID: 25741868, with internal and published modifications).